The following is an entry in ClinVar:

NM_001211.6(BUB1B):c.1564A>G (p.Lys522Glu)

Gene: BUB1B (BUB1 mitotic checkpoint serine/threonine kinase B; plus strand). Cytogenetic location: 15q15.1.
Variant type: single nucleotide variant.
Coding change: c.1564A>G on transcript NM_001211.6 (MANE Select); coding-DNA position 1564, A replaced by G.
Protein change: p.Lys522Glu; replaces lysine 522 with glutamic acid.
Molecular consequence: missense variant.
Genome position (GRCh38, 1-based): chr15:40,200,977, A>G. VCF-style: chr15-40200977-A-G. GRCh37 (hg19) VCF-style: chr15-40493178-A-G.
Other names: short protein forms K522E.
Identifiers: ClinVar variation 4600000 (VCV004600000.1).

ClinVar aggregate classification (germline): Uncertain significance (1 of 4 stars; one submission).

Conditions:
Inborn genetic diseases. Identifiers: MedGen C0950123, MeSH D030342.

Submission:

Ambry Genetics
Classification: Uncertain significance for Inborn genetic diseases. Last evaluated: 2025-12-07. Review status: criteria provided, single submitter. Criteria: Ambry Variant Classification Scheme 2023. Collection method: clinical testing. Allele origin: germline.
Comment: The p.K522E variant (also known as c.1564A>G), located in coding exon 12 of the BUB1B gene, results from an A to G substitution at nucleotide position 1564. The lysine at codon 522 is replaced by glutamic acid, an amino acid with similar properties. This amino acid position is conserved. In addition, this alteration is predicted to be tolerated by in silico analysis. Based on the available evidence, the clinical significance of this variant remains unclear.